The following is an entry in ClinVar:

NM_000179.3(MSH6):c.3312del (p.Phe1104fs)

Gene: MSH6 (mutS homolog 6; plus strand). Cytogenetic location: 2p16.3.
Variant type: Deletion.
Coding change: c.3312del on transcript NM_000179.3 (MANE Select); coding-DNA position 3312, one base deleted (T; older notation c.3312delT).
Protein change: p.Phe1104fs; shifts the reading frame from phenylalanine 1104.
Molecular consequence: frameshift variant.
Genome position (GRCh38, 1-based): chr2:47,803,559, T deleted; the last of 7 consecutive T bases (chr2:47,803,553-47,803,559); deleting any one gives the same sequence. VCF-style (leftmost placement, unchanged base first): chr2-47803552-CT-C. GRCh37 (hg19) VCF-style: chr2-48030691-CT-C.
Other names: c.2922del, p.Phe974fs (NM_001281492.2); c.2406del, p.Phe802fs (NM_001281493.2, NM_001281494.2); c.3312delT (NM_000179.2); short protein forms F974fs, F802fs.
Identifiers: ClinVar variation 89371 (VCV000089371.21), dbSNP rs267608092, ClinGen allele CA012557.

ClinVar aggregate classification (germline): Pathogenic. Review status: reviewed by expert panel (3 of 4 stars). 9 submissions from 9 submitters: Pathogenic (1). 8 of the submissions do not count toward it. Last evaluated 2013-09-05.

Conditions:
Hereditary cancer-predisposing syndrome. Also called: Hereditary neoplastic syndrome; Neoplastic Syndromes, Hereditary; Hereditary Cancer Syndrome; Tumor predisposition. Identifiers: Orphanet 140162, MedGen C0027672, MeSH D009386, MONDO:0015356.
Lynch syndrome. Identifiers: Orphanet 144, MedGen C4552100, MONDO:0005835. Disease mechanism: loss of function.
Mismatch repair cancer syndrome 3. Identifiers: MedGen C5436807, MONDO:0030841, OMIM 619097.
Lynch syndrome 5 (LYNCH5). Also called: Colorectal cancer, hereditary nonpolyposis, type 5; Hereditary non-polyposis colorectal cancer, type 5. Identifiers: Orphanet 144, MedGen C1833477, MONDO:0013710, OMIM 614350. Disease mechanism: loss of function.
Hereditary nonpolyposis colorectal neoplasms. Identifiers: MedGen C0009405, MeSH D003123.

Submissions (9):

International Society for Gastrointestinal Hereditary Tumours (InSiGHT)
Classification: Pathogenic for Lynch Syndrome. Last evaluated: 2013-09-05. Review status: reviewed by expert panel. Criteria: Guidelines v1.9. Collection method: research. Allele origin: germline.
Comment: Coding sequence variation resulting in a stop codon

Classified with v1.9 guidelines

GeneDx
Classification: Pathogenic. Last evaluated: 2026-03-30. Review status: criteria provided, single submitter. Criteria: GeneDx Variant Classification Process June 2021. Collection method: clinical testing. Allele origin: germline. Not counted in ClinVar's aggregate classification.
Comment: Reported in a patient with colorectal cancer in published literature (PMID: 34761457); Frameshift variant predicted to result in protein truncation or nonsense mediated decay in a gene for which loss of function is a known mechanism of disease; Not observed at significant frequency in large population cohorts (gnomAD); Truncating variants in this gene are considered pathogenic by a well-established clinical consortium and/or database; This variant is associated with the following publications: (PMID: 36672847, 27601186, 20487569, 33229401, 16360201, 34761457)

Labcorp Genetics (formerly Invitae), Labcorp
Classification: Pathogenic for Hereditary nonpolyposis colorectal neoplasms. Last evaluated: 2026-01-18. Review status: criteria provided, single submitter. Criteria: Invitae Variant Classification Sherloc (09022015). Collection method: clinical testing. Allele origin: germline. Not counted in ClinVar's aggregate classification.
Comment: This sequence change creates a premature translational stop signal (p.Phe1104Leufs*11) in the MSH6 gene. It is expected to result in an absent or disrupted protein product. Loss-of-function variants in MSH6 are known to be pathogenic (PMID: 18269114, 24362816). This variant is not present in population databases (gnomAD no frequency). This variant has not been reported in the literature in individuals affected with MSH6-related conditions. ClinVar contains an entry for this variant (Variation ID: 89371). For these reasons, this variant has been classified as Pathogenic.

Variantyx, Inc.
Classification: Pathogenic for Lynch syndrome 5. Last evaluated: 2026-01-06. Review status: criteria provided, single submitter. Criteria: Variantyx Assertion Criteria 2022. Collection method: clinical testing. Allele origin: germline. Inheritance: Autosomal dominant inheritance. Affected: yes. Not counted in ClinVar's aggregate classification.
Comment: This is a frameshift variant in the MSH6 gene (OMIM: 600678). Pathogenic variants in this gene have been associated with autosomal dominant Lynch syndrome 5. The clinical symptoms and MSI results reported for affected individuals are highly specific for autosomal dominant Lynch syndrome 5 (PP4_Moderate) (PMID: 20487569). The alteation introduces a premature termination codon in exon 5 out of 10 nd is expected to result in loss of function, which is a known disease mechanism for MSH6 in this disorder (PMID:19851131, 25318681, 20487569, 20028993) (PVS1). This variant has a 0.0001% maximum allele frequency in non-founder control populations (PM2), and it has been reported in individuals diagnosed with Lynch syndroma with demonstrated absence of MSH6 protein (PMID:16360201;20487569;27601186). Based on the current evidence, this variant is classified as pathogenic for autosomal dominant Lynch syndrome 5.

Molecular Pathology, Peter Maccallum Cancer Centre
Classification: Pathogenic for Lynch syndrome 5. Last evaluated: 2025-05-12. Review status: criteria provided, single submitter. Criteria: ACMG Guidelines, 2015. Collection method: clinical testing. Allele origin: germline. Inheritance: Autosomal dominant inheritance. Not counted in ClinVar's aggregate classification.

Ambry Genetics
Classification: Pathogenic for Hereditary cancer-predisposing syndrome. Last evaluated: 2025-04-23. Review status: criteria provided, single submitter. Criteria: Ambry Variant Classification Scheme 2023. Collection method: clinical testing. Allele origin: germline. Not counted in ClinVar's aggregate classification.
Comment: The c.3312delT pathogenic mutation, located in coding exon 5 of the MSH6 gene, results from a deletion of one nucleotide at nucleotide position 3312, causing a translational frameshift with a predicted alternate stop codon (p.F1104Lfs*11). This mutation has been identified in multiple HNPCC/Lynch syndrome patients whose tumors demonstrated absence of the MSH6 protein by IHC (Malander S et al. Gynecol. Oncol. 2006 May;101:238-43; Talseth-Palmer BA et al. Hered. Cancer Clin. Pract. 2010 May;8:5; Lagerstedt-Robinson K et al. Oncol Rep. 2016 Nov;36(5):2823-2835). This variant is considered to be rare based on population cohorts in the Genome Aggregation Database (gnomAD). In addition to the clinical data presented in the literature, this alteration is expected to result in loss of function by premature protein truncation or nonsense-mediated mRNA decay. As such, this alteration is interpreted as a disease-causing mutation.

Myriad Genetics, Inc.
Classification: Pathogenic for Lynch syndrome 5. Last evaluated: 2023-08-22. Review status: criteria provided, single submitter. Criteria: Myriad Autosomal Dominant, Autosomal Recessive and X-Linked Classification Criteria (2023). Collection method: clinical testing. Allele origin: unknown. Not counted in ClinVar's aggregate classification.
Comment: This variant is considered pathogenic. This variant creates a frameshift predicted to result in premature protein truncation.

Department of Pathology and Laboratory Medicine, Sinai Health System
Classification: Pathogenic for Mismatch repair cancer syndrome 3. Last evaluated: 2021-12-16. Review status: criteria provided, single submitter. Criteria: ACMG Guidelines, 2015. Collection method: clinical testing. Allele origin: germline. Affected: yes. Not counted in ClinVar's aggregate classification.

Color Diagnostics, LLC DBA Color Health
Classification: Pathogenic for Hereditary cancer-predisposing syndrome. Last evaluated: 2017-08-30. Review status: criteria provided, single submitter. Criteria: ACMG Guidelines, 2015. Collection method: clinical testing. Allele origin: germline. Not counted in ClinVar's aggregate classification.

Literature cited by the submitters: PubMed 18269114 (cited by Labcorp Genetics (formerly Invitae), Labcorp); PubMed 24362816 (cited by Labcorp Genetics (formerly Invitae), Labcorp); PubMed 20487569 (cited by Variantyx, Inc. and Ambry Genetics); PubMed 9851131 (cited by Variantyx, Inc.); PubMed 25318681 (cited by Variantyx, Inc.); PubMed 20028993 (cited by Variantyx, Inc.); PubMed 16360201 (cited by 3 submitters); PubMed 27601186 (cited by Variantyx, Inc. and Department of Pathology and Laboratory Medicine, Sinai Health System).